The following is an entry in ClinVar:

NM_000138.5(FBN1):c.1961-2A>G

Gene: FBN1 (fibrillin 1; minus strand). Cytogenetic location: 15q21.1.
Variant type: single nucleotide variant.
Coding change: c.1961-2A>G on transcript NM_000138.5 (MANE Select); the canonical splice acceptor site of the intron before coding-DNA position 1961, A replaced by G.
Molecular consequence: splice acceptor variant.
Genome position (GRCh38, 1-based): chr15:48,503,941, T>C on the plus strand (A>G on the coding strand, the complement: FBN1 is on the minus strand). VCF-style: chr15-48503941-T-C. GRCh37 (hg19) VCF-style: chr15-48796138-T-C.
Other names: c.1961-2A>G (NM_001406716.1).
Identifiers: ClinVar variation 439714 (VCV000439714.10), dbSNP rs1555399779, ClinGen allele CA392338918.

ClinVar aggregate classification (germline): Pathogenic. Review status: criteria provided, multiple submitters, no conflicts (2 of 4 stars). 2 submissions from 2 submitters: Pathogenic (2). Last evaluated 2025-01-15.

Conditions:
Marfan syndrome (MFS). Also called: MARFAN SYNDROME, TYPE I; FBN1-Related Marfan Syndrome; Marfan syndrome type 1; Marfan's syndrome; Marfan syndrome, classic. Identifiers: Orphanet 284963, Orphanet 558, MedGen C0024796, MONDO:0007947, OMIM 154700.
Familial thoracic aortic aneurysm and aortic dissection (TAAD). Also called: Thoracic aortic aneurysms and dissections. Identifiers: Orphanet 91387, MedGen C4707243, MONDO:0019625.

Submissions (2):

Labcorp Genetics (formerly Invitae), Labcorp
Classification: Pathogenic for Marfan syndrome; Familial thoracic aortic aneurysm and aortic dissection. Last evaluated: 2025-01-15. Review status: criteria provided, single submitter. Criteria: Invitae Variant Classification Sherloc (09022015). Collection method: clinical testing. Allele origin: germline.
Comment: This sequence change affects an acceptor splice site in intron 16 of the FBN1 gene. It is expected to disrupt RNA splicing. Variants that disrupt the donor or acceptor splice site typically lead to a loss of protein function (PMID: 16199547), and loss-of-function variants in FBN1 are known to be pathogenic (PMID: 17657824, 19293843). This variant is not present in population databases (gnomAD no frequency). Disruption of this splice site has been observed in individuals with clinical features of Marfan syndrome (internal data). ClinVar contains an entry for this variant (Variation ID: 439714). Algorithms developed to predict the effect of sequence changes on RNA splicing suggest that this variant may disrupt the consensus splice site. For these reasons, this variant has been classified as Pathogenic.

ARUP Laboratories, Molecular Genetics and Genomics, ARUP Laboratories
Classification: Pathogenic. Last evaluated: 2016-12-29. Review status: criteria provided, single submitter. Criteria: ARUP Molecular Germline Variant Investigation Process. Collection method: clinical testing. Allele origin: germline.

Literature cited by the submitters: PubMed 16199547 (cited by Labcorp Genetics (formerly Invitae), Labcorp); PubMed 17657824 (cited by Labcorp Genetics (formerly Invitae), Labcorp); PubMed 19293843 (cited by Labcorp Genetics (formerly Invitae), Labcorp).